The following is an entry in ClinVar:

ClinVar aggregate classification (germline): Conflicting classifications of pathogenicity. Review status: criteria provided, conflicting classifications (1 of 4 stars). 9 submissions from 9 submitters: Likely pathogenic (2); Uncertain significance (5). 2 of the submissions do not count toward it. Last evaluated 2026-04-01.

Conditions:
Lennox-Gastaut syndrome. Also called: Epileptic encephalopathy Lennox-Gastaut type. Identifiers: Orphanet 2382, MedGen C0238111, MONDO:0016532.
Pontocerebellar hypoplasia type 6 (PCH6). Identifiers: Orphanet 166073, MedGen C1969084, MONDO:0012683, OMIM 611523.

Allele frequency attached by ClinVar (database versions not stated): gnomAD 0.00018 and 0.00017; gnomAD exomes 0.00021 and 0.00030; ESP Exome Variant Server 0.00031; ExAC 0.00013; TOPMed 0.00015.

Submissions (9):

GeneDx
Classification: Uncertain significance. Last evaluated: 2026-04-01. Review status: criteria provided, single submitter. Criteria: GeneDx Variant Classification Process June 2021. Collection method: clinical testing. Allele origin: germline.
Comment: In silico analysis supports that this missense variant has a deleterious effect on protein structure/function; Observed with a second variant in RARS2 in a patient with epilepsy, hypotonia, feeding difficulties, cerebral atrophy in published literature (PMID: 38259611); This variant is associated with the following publications: (PMID: 38259611)

Victorian Clinical Genetics Services, Murdoch Childrens Research Institute
Classification: Likely pathogenic for Pontocerebellar hypoplasia type 6. Last evaluated: 2025-06-30. Review status: criteria provided, single submitter. Criteria: ACMG Guidelines, 2015. Collection method: clinical testing. Allele origin: germline. Affected: yes.
Comment: This variant is classified as Likely pathogenic. Evidence in support of pathogenic classification: Variant is present in gnomAD <0.01 for a recessive condition (v4: 457 heterozygote(s), 0 homozygote(s)); This variant has strong previous evidence of pathogenicity in unrelated individuals. This variant has been classified as a VUS by multiple clinical laboratories in ClinVar, however personal communication shows this variant has been reported in six compound heterozygous individuals with RARS2-related symptoms by these laboratories, as well as in carrier individuals. This variant has also been reported in a compound heterozygous individual with RARS2-related symptoms in the literature (PMID: 38259611); Missense variant predicted to be damaging by in silico tool(s) or highly conserved with a major amino acid change; Heterozygous variant detected in trans with a PATHOGENIC heterozygous variant (NM_020320.5(RARS2):c.35A>G; p.(Gln12Arg)) in a recessive disease. Additional information: Variant is predicted to result in a missense amino acid change from tyrosine to asparagine; This variant is heterozygous; This gene is associated with autosomal recessive disease; Alternative amino acid change(s) at the same position are present in gnomAD (Highest alelle count: v4: 2 heterozygote(s), 0 homozygote(s)); No published functional evidence has been identified for this variant; No comparable missense variants have previous evidence for pathogenicity; Variant is located in the annotated tRNA synthetases class I (R) domain (DECIPHER); Loss of function is a known mechanism of disease in this gene and is associated with pontocerebellar hypoplasia, type 6 (MIM#611523); Variants in this gene are known to have variable expressivity (OMIM).

Blueprint Genetics
Classification: Uncertain significance. Last evaluated: 2024-11-08. Review status: criteria provided, single submitter. Criteria: ACMG Guidelines, 2015. Collection method: clinical testing. Allele origin: germline.

Labcorp Genetics (formerly Invitae), Labcorp
Classification: Uncertain significance. Last evaluated: 2022-05-27. Review status: criteria provided, single submitter. Criteria: Invitae Variant Classification Sherloc (09022015). Collection method: clinical testing. Allele origin: germline.
Comment: This sequence change replaces tyrosine, which is neutral and polar, with asparagine, which is neutral and polar, at codon 252 of the RARS2 protein (p.Tyr252Asn). This variant is present in population databases (rs140692271, gnomAD 0.1%). This variant has not been reported in the literature in individuals affected with RARS2-related conditions. ClinVar contains an entry for this variant (Variation ID: 358236). Advanced modeling of protein sequence and biophysical properties (such as structural, functional, and spatial information, amino acid conservation, physicochemical variation, residue mobility, and thermodynamic stability) performed at Invitae indicates that this missense variant is expected to disrupt RARS2 protein function. In summary, the available evidence is currently insufficient to determine the role of this variant in disease. Therefore, it has been classified as a Variant of Uncertain Significance.

Unidad de Genómica Garrahan, Hospital de Pediatría Garrahan
Classification: Likely pathogenic for Lennox-Gastaut syndrome. Last evaluated: 2022-01-01. Review status: criteria provided, single submitter. Criteria: ACMG Guidelines, 2015. Collection method: clinical testing. Allele origin: paternal. Affected: yes. Observed: 1 variant allele.
Comment: PM2_moderate, PM3_strong. Observed in compound heterozygosity with NM_020320.5:c.1A>G; (p.Met1?).

Illumina Laboratory Services, Illumina
Classification: Uncertain significance for Pontocerebellar hypoplasia type 6. Last evaluated: 2018-01-13. Review status: criteria provided, single submitter. Criteria: ICSL Variant Classification Criteria 13 December 2019. Collection method: clinical testing. Allele origin: germline.

Genetic Services Laboratory, University of Chicago
Classification: Uncertain significance. Last evaluated: 2017-04-19. Review status: criteria provided, single submitter. Criteria: ACMG Guidelines, 2015. Collection method: clinical testing. Allele origin: germline. Affected: no.

Clinical Genetics DNA and cytogenetics Diagnostics Lab, Erasmus MC, Erasmus Medical Center
Classification: Uncertain significance. Review status: no assertion criteria provided. Collection method: clinical testing. Allele origin: germline. Affected: yes. Study: VKGL Data-share Consensus. Not counted in ClinVar's aggregate classification.

Joint Genome Diagnostic Labs from Nijmegen and Maastricht, Radboudumc and MUMC+
Classification: Uncertain significance. Review status: no assertion criteria provided. Collection method: clinical testing. Allele origin: germline. Affected: yes. Study: VKGL Data-share Consensus. Not counted in ClinVar's aggregate classification.

NM_020320.5(RARS2):c.754T>A (p.Tyr252Asn)

Gene: RARS2 (arginyl-tRNA synthetase 2, mitochondrial; minus strand). Cytogenetic location: 6q15.
Variant type: single nucleotide variant.
Coding change: c.754T>A on transcript NM_020320.5 (MANE Select); coding-DNA position 754, T replaced by A.
Protein change: p.Tyr252Asn; replaces tyrosine 252 with asparagine.
Molecular consequence: missense variant. On other transcripts: non-coding transcript variant (23).
Genome position (GRCh38, 1-based): chr6:87,530,801, A>T on the plus strand (T>A on the coding strand, the complement: RARS2 is on the minus strand). VCF-style: chr6-87530801-A-T. GRCh37 (hg19) VCF-style: chr6-88240519-A-T.
Other names: NP_064716.2:p.(Tyr252Asn); c.229T>A, p.Tyr77Asn (NM_001318785.2, NM_001350506.2, NM_001350507.2 and 4 more transcripts); c.754T>A, p.Tyr252Asn (NM_001350505.2); short protein forms Y252N, Y77N.
Identifiers: ClinVar variation 358236 (VCV000358236.21), dbSNP rs140692271, ClinGen allele CA3916535.